The following is an entry in ClinVar:

NM_016239.4(MYO15A):c.9109G>T (p.Glu3037Ter)

Gene: MYO15A (myosin XVA; plus strand). Cytogenetic location: 17p11.2.
Variant type: single nucleotide variant.
Coding change: c.9109G>T on transcript NM_016239.4 (MANE Select); coding-DNA position 9109, G replaced by T.
Protein change: p.Glu3037Ter; replaces glutamic acid 3037 with a stop codon.
Molecular consequence: nonsense.
Genome position (GRCh38, 1-based): chr17:18,158,950, G>T. VCF-style: chr17-18158950-G-T. GRCh37 (hg19) VCF-style: chr17-18062264-G-T.
Other names: short protein forms E3037*.
Identifiers: ClinVar variation 1408561 (VCV001408561.6), dbSNP rs2046732267, ClinGen allele CA398633166.
Genomic context (GRCh38, chr17:18,158,950, plus strand): 5'-CAGGACAGGTCAGTAGCACCCACCTCCCACTGCAGGGATGGCCTCAGGCTGAAATCCAAG[G>T]AGCCTCGGGAGTCCAGAACCTTGGAGGACATGCTTTGCTTCACCAAGGTGTCCAGTCCCG-3'

ClinVar aggregate classification (germline): Pathogenic (1 of 4 stars; one submission).

Submission:

Labcorp Genetics (formerly Invitae), Labcorp
Classification: Pathogenic. Last evaluated: 2021-03-27. Review status: criteria provided, single submitter. Criteria: Invitae Variant Classification Sherloc (09022015). Collection method: clinical testing. Allele origin: germline.
Comment: For these reasons, this variant has been classified as Pathogenic. This variant has not been reported in the literature in individuals with MYO15A-related conditions. This variant is not present in population databases (ExAC no frequency). This sequence change creates a premature translational stop signal (p.Glu3037*) in the MYO15A gene. It is expected to result in an absent or disrupted protein product. Loss-of-function variants in MYO15A are known to be pathogenic (PMID: 17546645).

Literature cited by the submitters: PubMed 17546645.